The following is an entry in ClinVar:

ClinVar aggregate classification (germline): Uncertain significance. Review status: criteria provided, multiple submitters, no conflicts (2 of 4 stars). 2 submissions from 2 submitters: Uncertain significance (2). Last evaluated 2025-11-23.

Conditions:
Hereditary cancer-predisposing syndrome. Also called: Neoplastic Syndromes, Hereditary; Hereditary Cancer Syndrome; Tumor predisposition; Hereditary neoplastic syndrome. Identifiers: Orphanet 140162, MedGen C0027672, MeSH D009386, MONDO:0015356.
Breast-ovarian cancer, familial, susceptibility to, 4. Identifiers: Orphanet 145, MedGen C3280345, MONDO:0013669, OMIM 614291.

Submissions (2):

Labcorp Genetics (formerly Invitae), Labcorp
Classification: Uncertain significance for Breast-ovarian cancer, familial, susceptibility to, 4. Last evaluated: 2025-11-23. Review status: criteria provided, single submitter. Criteria: Invitae Variant Classification Sherloc (09022015). Collection method: clinical testing. Allele origin: germline.
Comment: This sequence change replaces valine, which is neutral and non-polar, with isoleucine, which is neutral and non-polar, at codon 106 of the RAD51D protein (p.Val106Ile). This variant is not present in population databases (gnomAD no frequency). This variant has not been reported in the literature in individuals affected with RAD51D-related conditions. ClinVar contains an entry for this variant (Variation ID: 1376051). Invitae Evidence Modeling of protein sequence and biophysical properties (such as structural, functional, and spatial information, amino acid conservation, physicochemical variation, residue mobility, and thermodynamic stability) indicates that this missense variant is not expected to disrupt RAD51D protein function with a negative predictive value of 80%. In summary, the available evidence is currently insufficient to determine the role of this variant in disease. Therefore, it has been classified as a Variant of Uncertain Significance.

Ambry Genetics
Classification: Uncertain significance for Hereditary cancer-predisposing syndrome. Last evaluated: 2024-08-12. Review status: criteria provided, single submitter. Criteria: Ambry Variant Classification Scheme 2023. Collection method: clinical testing. Allele origin: germline.
Comment: The p.V106I variant (also known as c.316G>A), located in coding exon 4 of the RAD51D gene, results from a G to A substitution at nucleotide position 316. The valine at codon 106 is replaced by isoleucine, an amino acid with highly similar properties. This amino acid position is conserved. In addition, this alteration is predicted to be tolerated by in silico analysis. Since supporting evidence is limited at this time, the clinical significance of this alteration remains unclear.

NM_002878.4(RAD51D):c.316G>A (p.Val106Ile)

Genes: RAD51D (RAD51 paralog D; minus strand), RAD51L3-RFFL (RAD51L3-RFFL readthrough; minus strand). Cytogenetic location: 17q12.
Variant type: single nucleotide variant.
Coding change: c.316G>A on transcript NM_002878.4 (MANE Select); coding-DNA position 316, G replaced by A.
Protein change: p.Val106Ile; replaces valine 106 with isoleucine.
Molecular consequence: missense variant. On other transcripts: non-coding transcript variant (2), intron variant (1).
Genome position (GRCh38, 1-based): chr17:35,107,395, C>T on the plus strand (G>A on the coding strand, the complement: RAD51D is on the minus strand). VCF-style: chr17-35107395-C-T. GRCh37 (hg19) VCF-style: chr17-33434414-C-T.
Other names: c.376G>A, p.Val126Ile (NM_001142571.2); c.145-914G>A (NM_133629.3); short protein forms V106I, V126I.
Identifiers: ClinVar variation 1376051 (VCV001376051.9), dbSNP rs876659926, ClinGen allele CA399089934.
Genomic context (GRCh38, chr17:35,107,395, plus strand): 5'-AAATCCTCCTGACTGCTGGCCTCACATGTACCTGAGTTTTGCCGCTACCTGGGCCTCCTA[C>T]AATTTCAGTCACTTCTCCAGTATAGAGACCAGCATCAAGCAGTTTATCAAGACTGATGGC-3'
Protein context (NP_002869.3, residues 96-116): GLYTGEVTEI[Val106Ile]GGPGSGKTQV